The following is an entry in ClinVar:

ClinVar aggregate classification (germline): Likely benign. Review status: criteria provided, multiple submitters, no conflicts (2 of 4 stars). 2 submissions from 2 submitters: Likely benign (2). Last evaluated 2025-10-08.

Conditions:
BEST1-related disorder. Also called: BEST1-related disorders; BEST1-related condition. Identifiers: MedGen CN239200.

gnomAD v4.1: 20 of 1,472,584 alleles (0.0014%); highest among the groups gnomAD compares: African/African-American, 0.026%; no homozygotes.

Submissions (2):

PreventionGenetics, part of Exact Sciences
Classification: Likely benign for BEST1-related condition. Last evaluated: 2025-10-08. Review status: criteria provided, single submitter. Criteria: ACMG Guidelines, 2015. Collection method: clinical testing. Allele origin: germline.
Comment: This variant is classified as likely benign based on ACMG/AMP sequence variant interpretation guidelines (Richards et al. 2015 PMID: 25741868, with internal and published modifications).

Blueprint Genetics
Classification: Likely benign. Last evaluated: 2023-02-14. Review status: criteria provided, single submitter. Criteria: ACMG Guidelines, 2015. Collection method: clinical testing. Allele origin: germline.

NM_004183.4(BEST1):c.867+195G>C

Gene: BEST1 (bestrophin 1; plus strand). Cytogenetic location: 11q12.3.
Variant type: single nucleotide variant.
Coding change: c.867+195G>C on transcript NM_004183.4 (MANE Select); 195 bases into the intron after coding-DNA position 867, G replaced by C.
Molecular consequence: intron variant. On other transcripts: synonymous variant (1), 5 prime UTR variant (1), non-coding transcript variant (1).
Genome position (GRCh38, 1-based): chr11:61,958,493, G>C. VCF-style: chr11-61958493-G-C. GRCh37 (hg19) VCF-style: chr11-61725965-G-C.
Other names: c.1062G>C, p.Arg354= (NM_001363592.2); c.-114G>C (NM_001363593.3); c.867+195G>C (NM_001440571.1, NM_001440572.1); c.715-1005G>C (NM_001440573.1); c.687+195G>C (NM_001139443.3, NM_001300787.2, NM_001440574.1 and 1 more transcripts); c.535-1005G>C (NM_001440575.1); c.534+1029G>C (NM_001440576.1); c.549+195G>C (NM_001363591.3); and 1 more.
Identifiers: ClinVar variation 4911959 (VCV004911959.2).